The following is an entry in ClinVar:

ClinVar aggregate classification (germline): Uncertain significance. Review status: criteria provided, multiple submitters, no conflicts (2 of 4 stars). 4 submissions from 4 submitters: Uncertain significance (4). Last evaluated 2026-07-06.

Conditions:
Cardiomyopathy (CMYO). Also called: Cardiomyopathies. Identifiers: Orphanet 167848, MedGen C0878544, MONDO:0004994, HP:0001638. Inheritance: Various modes of inheritance.
Hypertrophic cardiomyopathy. Also called: HYPERTROPHIC MYOCARDIOPATHY. Identifiers: Orphanet 217569, MedGen C0007194, MeSH D002312, MONDO:0005045, HP:0001639.
Cardiovascular phenotype. Identifiers: MedGen CN230736.

Allele frequency attached by ClinVar (database versions not stated): TOPMed below 0.00001.
gnomAD v4.1: 3 of 1,612,758 alleles (0.00019%); highest among the groups gnomAD compares: Non-Finnish European, 0.00017%; no homozygotes.

Submissions (4):

Ambry Genetics
Classification: Uncertain significance for Cardiovascular phenotype. Last evaluated: 2026-07-06. Review status: criteria provided, single submitter. Criteria: Ambry Variant Classification Scheme 2023. Collection method: clinical testing. Allele origin: germline.
Comment: The p.T384I variant (also known as c.1151C>T), located in coding exon 13 of the MYBPC3 gene, results from a C to T substitution at nucleotide position 1151. The threonine at codon 384 is replaced by isoleucine, an amino acid with similar properties. This amino acid position is conserved. In addition, this alteration is predicted to be tolerated by in silico analysis. Based on the available evidence, the clinical significance of this variant remains unclear.

Labcorp Genetics (formerly Invitae), Labcorp
Classification: Uncertain significance for Hypertrophic cardiomyopathy. Last evaluated: 2024-09-02. Review status: criteria provided, single submitter. Criteria: Invitae Variant Classification Sherloc (09022015). Collection method: clinical testing. Allele origin: germline.
Comment: This sequence change replaces threonine, which is neutral and polar, with isoleucine, which is neutral and non-polar, at codon 384 of the MYBPC3 protein (p.Thr384Ile). This variant is not present in population databases (gnomAD no frequency). This variant has not been reported in the literature in individuals affected with MYBPC3-related conditions. ClinVar contains an entry for this variant (Variation ID: 923197). An algorithm developed to predict the effect of missense changes on protein structure and function (PolyPhen-2) suggests that this variant is likely to be tolerated. In summary, the available evidence is currently insufficient to determine the role of this variant in disease. Therefore, it has been classified as a Variant of Uncertain Significance.

Color Diagnostics, LLC DBA Color Health
Classification: Uncertain significance for Cardiomyopathy. Last evaluated: 2024-03-06. Review status: criteria provided, single submitter. Criteria: ACMG Guidelines, 2015. Collection method: clinical testing. Allele origin: germline.
Comment: This missense variant replaces threonine with isoleucine at codon 384 of the MYBPC3 protein. Computational prediction suggests that this variant may not impact protein structure and function (internally defined REVEL score threshold <= 0.5, PMID: 27666373). Splice site prediction tools suggest that this variant may not impact RNA splicing. To our knowledge, functional studies have not been reported for this variant. This variant has not been reported in individuals affected with cardiovascular disorders in the literature. This variant has not been identified in the general population by the Genome Aggregation Database (gnomAD). The available evidence is insufficient to determine the role of this variant in disease conclusively. Therefore, this variant is classified as a Variant of Uncertain Significance.

All of Us Research Program, National Institutes of Health
Classification: Uncertain significance for Hypertrophic cardiomyopathy. Last evaluated: 2023-05-31. Review status: criteria provided, single submitter. Criteria: ACMG Guidelines, 2015. Collection method: clinical testing. Allele origin: germline. Inheritance: Autosomal dominant inheritance. Observed: 1 variant allele, 1 heterozygote.
Comment: This missense variant replaces threonine with isoleucine at codon 384 of the MYBPC3 protein. Computational prediction suggests that this variant may not impact protein structure and function (internally defined REVEL score threshold <= 0.5, PMID: 27666373). Splice site prediction tools suggest that this variant may not impact RNA splicing. To our knowledge, functional studies have not been reported for this variant. This variant has not been reported in individuals affected with cardiovascular disorders in the literature. This variant has not been identified in the general population by the Genome Aggregation Database (gnomAD). The available evidence is insufficient to determine the role of this variant in disease conclusively. Therefore, this variant is classified as a Variant of Uncertain Significance.

This study involves interpretation of variants in research participants for the purpose of population health screening. Participant phenotype was not available at the time of variant classification. Additional details can be found in publication PMID: 35346344, PMCID: PMC8962531

NM_000256.3(MYBPC3):c.1151C>T (p.Thr384Ile)

Gene: MYBPC3 (myosin binding protein C3; minus strand). Cytogenetic location: 11p11.2.
Variant type: single nucleotide variant.
Coding change: c.1151C>T on transcript NM_000256.3 (MANE Select); coding-DNA position 1151, C replaced by T.
Protein change: p.Thr384Ile; replaces threonine 384 with isoleucine.
Molecular consequence: missense variant.
Genome position (GRCh38, 1-based): chr11:47,343,564, G>A on the plus strand (C>T on the coding strand, the complement: MYBPC3 is on the minus strand). VCF-style: chr11-47343564-G-A. GRCh37 (hg19) VCF-style: chr11-47365115-G-A.
Other names: short protein forms T384I.
Identifiers: ClinVar variation 923197 (VCV000923197.8), dbSNP rs2095891335, ClinGen allele CA380328949.